The following is an entry in ClinVar:

NC_000023.11:g.(?_24494722)_(24539184_?)del

Genes: PDK3 (pyruvate dehydrogenase kinase 3; plus strand), LOC130068067 (ATAC-STARR-seq lymphoblastoid active region 29505; plus strand). Cytogenetic location: Xp22.11.
Variant type: Deletion.
Identifiers: ClinVar variation 584091 (VCV000584091.6).

ClinVar aggregate classification (germline): Uncertain significance (1 of 4 stars; one submission).

Conditions:
Charcot-Marie-Tooth disease X-linked dominant 6. Also called: CHARCOT-MARIE-TOOTH NEUROPATHY, X-LINKED DOMINANT, 6. Identifiers: Orphanet 352675, MedGen C3806702, MONDO:0010479, OMIM 300905.

Submission:

Labcorp Genetics (formerly Invitae), Labcorp
Classification: Uncertain significance for Charcot-Marie-Tooth disease X-linked dominant 6. Last evaluated: 2018-01-24. Review status: criteria provided, single submitter. Criteria: Invitae Variant Classification Sherloc (09022015). Collection method: clinical testing. Allele origin: germline.
Comment: In summary, the available evidence is currently insufficient to determine the role of this variant in disease. Therefore, it has been classified as a Variant of Uncertain Significance. This variant has not been reported in the literature in individuals with PDK3-related disease. This variant is a gross deletion of the genomic region encompassing exons 2-12 of the PDK3 gene. The 5' boundary is likely confined to intron 1. The 3' end of this event is unknown as it extends through the termination codon beyond the assayed region for this gene and may encompass additional genes. While this deletion is not anticipated to result in nonsense mediated decay, it is expected to create a truncated protein product or disrupt mRNA translation.